The following is an entry in ClinVar:

ClinVar aggregate classification (germline): Uncertain significance (1 of 4 stars; one submission).

Allele frequency attached by ClinVar (database versions not stated): gnomAD exomes below 0.00001; TOPMed below 0.00001; gnomAD 0.00001; ExAC 0.00002.
gnomAD v4.1: 4 of 1,609,744 alleles (0.00025%); highest among the groups gnomAD compares: East Asian, 0.0022%; no homozygotes.

Submission:

Labcorp Genetics (formerly Invitae), Labcorp
Classification: Uncertain significance. Last evaluated: 2023-12-14. Review status: criteria provided, single submitter. Criteria: Invitae Variant Classification Sherloc (09022015). Collection method: clinical testing. Allele origin: germline.
Comment: This sequence change replaces arginine, which is basic and polar, with tryptophan, which is neutral and slightly polar, at codon 793 of the NYNRIN protein (p.Arg793Trp). This variant is present in population databases (rs762063546, gnomAD 0.007%). This variant has not been reported in the literature in individuals affected with NYNRIN-related conditions. Experimental studies and prediction algorithms are not available or were not evaluated, and the functional significance of this variant is currently unknown. In summary, the available evidence is currently insufficient to determine the role of this variant in disease. Therefore, it has been classified as a Variant of Uncertain Significance.

NM_025081.3(NYNRIN):c.2377C>T (p.Arg793Trp)

Gene: NYNRIN (NYN domain and retroviral integrase containing; plus strand). Cytogenetic location: 14q12.
Variant type: single nucleotide variant.
Coding change: c.2377C>T on transcript NM_025081.3 (MANE Select); coding-DNA position 2377, C replaced by T.
Protein change: p.Arg793Trp; replaces arginine 793 with tryptophan.
Molecular consequence: missense variant.
Genome position (GRCh38, 1-based): chr14:24,410,171, C>T. VCF-style: chr14-24410171-C-T. GRCh37 (hg19) VCF-style: chr14-24879377-C-T.
Other names: short protein forms R793W.
Identifiers: ClinVar variation 2702361 (VCV002702361.3), dbSNP rs762063546, ClinGen allele CA7136954.